The following is an entry in ClinVar:

ClinVar aggregate classification (germline): Uncertain significance. Review status: criteria provided, multiple submitters, no conflicts (2 of 4 stars). 2 submissions from 2 submitters: Uncertain significance (2). Last evaluated 2023-09-21.

Conditions:
Wolfram syndrome 1 (WFS1). Identifiers: Orphanet 3463, MedGen C4551693, MONDO:0009101, OMIM 222300.

Allele frequency attached by ClinVar (database versions not stated): gnomAD 0.00001.
gnomAD v4.1: 3 of 1,614,064 alleles (0.00019%); highest among the groups gnomAD compares: Non-Finnish European, 0.00025%; no homozygotes.

Submissions (2):

Labcorp Genetics (formerly Invitae), Labcorp
Classification: Uncertain significance. Last evaluated: 2023-09-21. Review status: criteria provided, single submitter. Criteria: Invitae Variant Classification Sherloc (09022015). Collection method: clinical testing. Allele origin: germline.
Comment: This sequence change replaces threonine, which is neutral and polar, with serine, which is neutral and polar, at codon 600 of the WFS1 protein (p.Thr600Ser). This variant is not present in population databases (gnomAD no frequency). This variant has not been reported in the literature in individuals affected with WFS1-related conditions. ClinVar contains an entry for this variant (Variation ID: 1377630). Advanced modeling of protein sequence and biophysical properties (such as structural, functional, and spatial information, amino acid conservation, physicochemical variation, residue mobility, and thermodynamic stability) performed at Invitae indicates that this missense variant is not expected to disrupt WFS1 protein function. In summary, the available evidence is currently insufficient to determine the role of this variant in disease. Therefore, it has been classified as a Variant of Uncertain Significance.

Clinical Genomics, Uppaluri K&H Personalized Medicine Clinic
Classification: Uncertain significance for Wolfram syndrome 1. Review status: criteria provided, single submitter. Criteria: K & H Uppaluri Personalized Medicine Clinic Variant Classification & Assertion Criteria_Updated V.1. Collection method: research. Allele origin: unknown. Inheritance: Autosomal recessive inheritance.
Comment: Potent mutations in WFS1 gene are associated with Wolfram's syndrome, an autosomal recessive condition, which cause diabetes mellitus, diabetes insipidus, deafness and optic atrophy. However no sufficient evidence is found to ascertain the role of this particular variant rs886059530 in Wolfram's syndrome yet.

Literature cited by the submitters: PubMed 20738327 (cited by Clinical Genomics, Uppaluri K&H Personalized Medicine Clinic); PubMed 33879153 (cited by Clinical Genomics, Uppaluri K&H Personalized Medicine Clinic); PubMed 12955714 (cited by Clinical Genomics, Uppaluri K&H Personalized Medicine Clinic); PubMed 18060660 (cited by Clinical Genomics, Uppaluri K&H Personalized Medicine Clinic); PubMed 20301750 (cited by Clinical Genomics, Uppaluri K&H Personalized Medicine Clinic); PubMed 17603484 (cited by Clinical Genomics, Uppaluri K&H Personalized Medicine Clinic).

NM_006005.3(WFS1):c.1799C>G (p.Thr600Ser)

Gene: WFS1 (wolframin ER transmembrane glycoprotein; plus strand). Cytogenetic location: 4p16.1.
Variant type: single nucleotide variant.
Coding change: c.1799C>G on transcript NM_006005.3 (MANE Select); coding-DNA position 1799, C replaced by G.
Protein change: p.Thr600Ser; replaces threonine 600 with serine.
Molecular consequence: missense variant.
Genome position (GRCh38, 1-based): chr4:6,301,594, C>G. VCF-style: chr4-6301594-C-G. GRCh37 (hg19) VCF-style: chr4-6303321-C-G.
Other names: c.1799C>G, p.Thr600Ser (NM_001145853.1); short protein forms T600S.
Identifiers: ClinVar variation 1377630 (VCV001377630.6), dbSNP rs886059530, ClinGen allele CA356176869.
Genomic context (GRCh38, chr4:6,301,594, plus strand): 5'-TGGGCGTGCTGCAGTTCGCCCGGTGGTTCACGTCTCTGGAGCTCACCAAGATCGCAGTCA[C>G]CGTGGCGGTCTGTAGTGTGCCCCTGCTGTTGCGCTGGTGGACCAAGGCCAGCTTCTCTGT-3'
Protein context (NP_005996.2, residues 590-610): TSLELTKIAV[Thr600Ser]VAVCSVPLLL